The following is an entry in ClinVar:

ClinVar aggregate classification (germline): Benign/Likely benign. Review status: criteria provided, multiple submitters, no conflicts (2 of 4 stars). 7 submissions from 7 submitters: Benign (2); Likely benign (5). Last evaluated 2026-04-01.

Conditions:
Autoinflammatory syndrome. Identifiers: Orphanet 93665, MedGen C3890737, MONDO:0019751.
Hermansky-Pudlak syndrome 2 (HPS2). Also called: Platelet defects and oculocutaneous albinism. Identifiers: Orphanet 183678, Orphanet 79430, MedGen C1842362, MONDO:0011997, OMIM 608233.

Allele frequency attached by ClinVar (database versions not stated): 1000 Genomes Project 0.00160; 1000 Genomes Project 30x 0.00187; ExAC 0.00381; gnomAD exomes 0.00413 and 0.00702; gnomAD 0.00504 and 0.00517; TOPMed 0.00537; ESP Exome Variant Server 0.00646.
gnomAD v4.1: 11,050 of 1,613,418 alleles (0.68%); highest among the groups gnomAD compares: Non-Finnish European, 0.84%; 64 homozygotes.

Submissions (7):

CeGaT Center for Human Genetics Tuebingen
Classification: Likely benign. Last evaluated: 2026-04-01. Review status: criteria provided, single submitter. Criteria: CeGaT Center For Human Genetics Tuebingen Variant Classification Criteria Version 2. Collection method: clinical testing. Allele origin: germline. Affected: yes. Observed: 16 variant alleles.
Comment: AP3B1: BP4, BS2

Labcorp Genetics (formerly Invitae), Labcorp
Classification: Benign for Hermansky-Pudlak syndrome 2. Last evaluated: 2026-02-03. Review status: criteria provided, single submitter. Criteria: Invitae Variant Classification Sherloc (09022015). Collection method: clinical testing. Allele origin: germline.

Blueprint Genetics
Classification: Likely benign. Last evaluated: 2024-11-22. Review status: criteria provided, single submitter. Criteria: ACMG Guidelines, 2015. Collection method: clinical testing. Allele origin: germline.

Mayo Clinic Laboratories, Mayo Clinic
Classification: Benign. Last evaluated: 2024-07-01. Review status: criteria provided, single submitter. Criteria: ACMG Guidelines, 2015. Collection method: clinical testing. Allele origin: germline. Observed: 31 variant alleles.
Comment: BS1, BS2, BP4

Genome Diagnostics Laboratory, The Hospital for Sick Children
Classification: Likely benign for Autoinflammatory syndrome. Last evaluated: 2021-08-17. Review status: criteria provided, single submitter. Criteria: ACMG Guidelines, 2015. Collection method: clinical testing. Allele origin: germline. Affected: yes.

Genetic Services Laboratory, University of Chicago
Classification: Likely benign. Last evaluated: 2016-10-14. Review status: criteria provided, single submitter. Criteria: ACMG Guidelines, 2015. Collection method: clinical testing. Allele origin: germline. Affected: no.

Eurofins Ntd Llc (ga)
Classification: Likely benign. Last evaluated: 2015-05-08. Review status: criteria provided, single submitter. Criteria: EGL Classification Definitions 2015. Collection method: clinical testing. Allele origin: germline. Observed: 1 variant allele, 1 heterozygote.

NM_003664.5(AP3B1):c.2995G>A (p.Val999Met)

Gene: AP3B1 (adaptor related protein complex 3 subunit beta 1; minus strand). Cytogenetic location: 5q14.1.
Variant type: single nucleotide variant.
Coding change: c.2995G>A on transcript NM_003664.5 (MANE Select); coding-DNA position 2995, G replaced by A.
Protein change: p.Val999Met; replaces valine 999 with methionine.
Molecular consequence: missense variant.
Genome position (GRCh38, 1-based): chr5:78,015,546, C>T on the plus strand (G>A on the coding strand, the complement: AP3B1 is on the minus strand). VCF-style: chr5-78015546-C-T. GRCh37 (hg19) VCF-style: chr5-77311370-C-T.
Other names: p.Val999Met; c.2848G>A, p.Val950Met (NM_001271769.2); short protein forms V999M, V950M.
Identifiers: ClinVar variation 195962 (VCV000195962.67), dbSNP rs146503597, ClinGen allele CA202052.